The following is an entry in ClinVar:

ClinVar aggregate classification (germline): Uncertain significance. Review status: criteria provided, single submitter (1 of 4 stars). 2 submissions from 2 submitters: Uncertain significance (1). 1 of the submissions does not count toward it. Last evaluated 2021-06-15.

Conditions:
GNAS-related disorder. Identifiers: MedGen CN380105.

Allele frequency attached by ClinVar (database versions not stated): gnomAD 0.00002.
gnomAD v4.1: 4 of 1,538,712 alleles (0.00026%); highest among the groups gnomAD compares: African/African-American, 0.0041%; no homozygotes.

Submissions (2):

AiLife Diagnostics
Classification: Uncertain significance. Last evaluated: 2021-06-15. Review status: criteria provided, single submitter. Criteria: ACMG Guidelines, 2015. Collection method: clinical testing. Allele origin: germline. Affected: yes. Observed: 1 variant allele.

PreventionGenetics, part of Exact Sciences
Classification: Uncertain significance for GNAS-related condition. Last evaluated: 2024-05-11. Review status: no assertion criteria provided. Collection method: clinical testing. Allele origin: germline. Not counted in ClinVar's aggregate classification.
Comment: The GNAS c.1352C>A variant is predicted to result in the amino acid substitution p.Ala451Asp. To our knowledge, this variant has not been reported in the literature. Of note, this variant is located within the 5' UTR (c.-37110C>A) of the more commonly used transcript NM_000516.5. This variant is reported in 0.012% of alleles in individuals of African descent in gnomAD. At this time, the clinical significance of this variant is uncertain due to the absence of conclusive functional and genetic evidence.

NM_080425.4(GNAS):c.1352C>A (p.Ala451Asp)

Gene: GNAS (GNAS complex locus; plus strand). Cytogenetic location: 20q13.32.
Variant type: single nucleotide variant.
Coding change: c.1352C>A on transcript NM_080425.4 (MANE Plus Clinical); coding-DNA position 1352, C replaced by A.
Protein change: p.Ala451Asp; replaces alanine 451 with aspartic acid.
Molecular consequence: missense variant. On other transcripts: intron variant (3).
Genome position (GRCh38, 1-based): chr20:58,854,617, C>A. VCF-style: chr20-58854617-C-A. GRCh37 (hg19) VCF-style: chr20-57429672-C-A.
Other names: c.1165C>A, p.Pro389Thr (NM_001077490.3, NM_001309883.1); c.1352C>A, p.Ala451Asp (NM_001410913.1); c.*42+13731C>A (NM_016592.5); c.43+13731C>A (NM_001410912.1); c.-39+12742C>A (NM_001309861.2); short protein forms A451D, P389T.
Identifiers: ClinVar variation 1678449 (VCV001678449.4), dbSNP rs1381864620, ClinGen allele CA409460229.